The following is an entry in ClinVar:

ClinVar aggregate classification (germline): Benign (1 of 4 stars; one submission).

Allele frequency attached by ClinVar (database versions not stated): TOPMed 0.78648; 1000 Genomes Project 30x 0.87164; 1000 Genomes Project 0.87600.

Submission:

GeneDx
Classification: Benign. Last evaluated: 2018-06-18. Review status: criteria provided, single submitter. Criteria: GeneDx Variant Classification (06012015). Collection method: clinical testing. Allele origin: germline. Affected: yes.
Comment: This variant is considered likely benign or benign based on one or more of the following criteria: it is a conservative change, it occurs at a poorly conserved position in the protein, it is predicted to be benign by multiple in silico algorithms, and/or has population frequency not consistent with disease.

NM_000069.3(CACNA1S):c.3610-291C>G

Gene: CACNA1S (calcium voltage-gated channel subunit alpha1 S; minus strand). Cytogenetic location: 1q32.1.
Variant type: single nucleotide variant.
Coding change: c.3610-291C>G on transcript NM_000069.3 (MANE Select); 291 bases into the intron before coding-DNA position 3610, C replaced by G.
Molecular consequence: intron variant.
Genome position (GRCh38, 1-based): chr1:201,054,852, G>C on the plus strand (C>G on the coding strand, the complement: CACNA1S is on the minus strand). VCF-style: chr1-201054852-G-C. GRCh37 (hg19) VCF-style: chr1-201023980-G-C.
Identifiers: ClinVar variation 668056 (VCV000668056.1), dbSNP rs10800755, ClinGen allele CA10912157.